The following is an entry in ClinVar:

NM_001080.3(ALDH5A1):c.304G>C (p.Val102Leu)

Genes: ALDH5A1 (aldehyde dehydrogenase 5 family member A1; plus strand), LOC129995978 (ATAC-STARR-seq lymphoblastoid silent region 16989; plus strand). Cytogenetic location: 6p22.3.
Variant type: single nucleotide variant.
Coding change: c.304G>C on transcript NM_001080.3 (MANE Select); coding-DNA position 304, G replaced by C.
Protein change: p.Val102Leu; replaces valine 102 with leucine.
Molecular consequence: missense variant.
Genome position (GRCh38, 1-based): chr6:24,495,300, G>C. VCF-style: chr6-24495300-G-C. GRCh37 (hg19) VCF-style: chr6-24495528-G-C.
Other names: c.304G>C, p.Val102Leu (NM_001368954.1, NM_170740.1); short protein forms V102L.
Identifiers: ClinVar variation 907463 (VCV000907463.9), dbSNP rs1444935451, ClinGen allele CA362968640.
Genomic context (GRCh38, chr6:24,495,300, plus strand): 5'-GCCAGCGGCGCCGCTCTGGGCATGGTAGCCGACTGCGGGGTGCGAGAGGCCCGCGCCGCC[G>C]TGCGCGCTGCCTACGAGGCTTTCTGCCGCTGGAGGGAGGTCTCCGCCAAGGTGAGAGAGC-3'
Protein context (NP_001071.1, residues 92-112): DCGVREARAA[Val102Leu]RAAYEAFCRW

ClinVar aggregate classification (germline): Uncertain significance. Review status: criteria provided, multiple submitters, no conflicts (2 of 4 stars). 2 submissions from 2 submitters: Uncertain significance (2). Last evaluated 2021-10-05.

Conditions:
Succinate-semialdehyde dehydrogenase deficiency (SSADHD). Also called: Succinic Semialdehyde Dehydrogenase Deficiency; 4-HYDROXYBUTYRIC ACIDURIA; GABA METABOLIC DEFECT; SSADH DEFICIENCY. Identifiers: Orphanet 22, MedGen C0268631, MONDO:0010083, OMIM 271980.

gnomAD v4.1: 7 of 1,533,134 alleles (0.00046%); highest among the groups gnomAD compares: Non-Finnish European, 0.00061%; no homozygotes.

Submissions (2):

Labcorp Genetics (formerly Invitae), Labcorp
Classification: Uncertain significance for Succinate-semialdehyde dehydrogenase deficiency. Last evaluated: 2021-10-05. Review status: criteria provided, single submitter. Criteria: Invitae Variant Classification Sherloc (09022015). Collection method: clinical testing. Allele origin: germline.
Comment: This sequence change replaces valine with leucine at codon 102 of the ALDH5A1 protein (p.Val102Leu). The valine residue is moderately conserved and there is a small physicochemical difference between valine and leucine. The frequency data for this variant in the population databases is considered unreliable, as metrics indicate insufficient coverage at this position in the ExAC database. ClinVar contains an entry for this variant (Variation ID: 907463). This variant has not been reported in the literature in individuals affected with ALDH5A1-related conditions. Advanced modeling of protein sequence and biophysical properties (such as structural, functional, and spatial information, amino acid conservation, physicochemical variation, residue mobility, and thermodynamic stability) performed at Invitae indicates that this missense variant is not expected to disrupt ALDH5A1 protein function. In summary, the available evidence is currently insufficient to determine the role of this variant in disease. Therefore, it has been classified as a Variant of Uncertain Significance.

Illumina Laboratory Services, Illumina
Classification: Uncertain significance for Succinate-semialdehyde dehydrogenase deficiency. Last evaluated: 2018-01-12. Review status: criteria provided, single submitter. Criteria: ICSL Variant Classification Criteria 13 December 2019. Collection method: clinical testing. Allele origin: germline.